The following is an entry in ClinVar:

ClinVar aggregate classification (germline): Uncertain significance (1 of 4 stars; one submission).

Conditions:
Noonan syndrome 9 (NS9). Identifiers: Orphanet 648, MedGen C4225282, MONDO:0014691, OMIM 616559.

Allele frequency attached by ClinVar (database versions not stated): gnomAD exomes below 0.00001.
gnomAD v4.1: 1 of 1,614,112 alleles (0.000062%); highest among the groups gnomAD compares: Non-Finnish European, 0.000085%; no homozygotes.

Submission:

Labcorp Genetics (formerly Invitae), Labcorp
Classification: Uncertain significance for Noonan syndrome 9. Last evaluated: 2024-01-08. Review status: criteria provided, single submitter. Criteria: Invitae Variant Classification Sherloc (09022015). Collection method: clinical testing. Allele origin: germline.
Comment: This sequence change creates a premature translational stop signal (p.Arg1273*) in the SOS2 gene. While this is not anticipated to result in nonsense mediated decay, it is expected to disrupt the last 60 amino acid(s) of the SOS2 protein. This variant is not present in population databases (gnomAD no frequency). This variant has not been reported in the literature in individuals affected with SOS2-related conditions. ClinVar contains an entry for this variant (Variation ID: 2161879). Experimental studies and prediction algorithms are not available or were not evaluated, and the functional significance of this variant is currently unknown. In summary, the available evidence is currently insufficient to determine the role of this variant in disease. Therefore, it has been classified as a Variant of Uncertain Significance.

NM_006939.4(SOS2):c.3817C>T (p.Arg1273Ter)

Gene: SOS2 (SOS Ras/Rho guanine nucleotide exchange factor 2; minus strand). Cytogenetic location: 14q21.3.
Variant type: single nucleotide variant.
Coding change: c.3817C>T on transcript NM_006939.4 (MANE Select); coding-DNA position 3817, C replaced by T.
Protein change: p.Arg1273Ter; replaces arginine 1273 with a stop codon.
Molecular consequence: nonsense.
Genome position (GRCh38, 1-based): chr14:50,118,526, G>A on the plus strand (C>T on the coding strand, the complement: SOS2 is on the minus strand). VCF-style: chr14-50118526-G-A. GRCh37 (hg19) VCF-style: chr14-50585244-G-A.
Other names: c.3718C>T, p.Arg1240Ter (NM_001411020.1); short protein forms R1273*, R1240*.
Identifiers: ClinVar variation 2161879 (VCV002161879.4), dbSNP rs2502755424, ClinGen allele CA389637591.